The following is an entry in ClinVar:

ClinVar aggregate classification (germline): Uncertain significance (1 of 4 stars; one submission).

Submission:

Labcorp Genetics (formerly Invitae), Labcorp
Classification: Uncertain significance. Last evaluated: 2025-10-14. Review status: criteria provided, single submitter. Criteria: Invitae Variant Classification Sherloc (09022015). Collection method: clinical testing. Allele origin: germline.
Comment: This sequence change replaces leucine, which is neutral and non-polar, with proline, which is neutral and non-polar, at codon 515 of the ALAS2 protein (p.Leu515Pro). This variant is not present in population databases (gnomAD no frequency). This variant has not been reported in the literature in individuals affected with ALAS2-related conditions. Invitae Evidence Modeling of protein sequence and biophysical properties (such as structural, functional, and spatial information, amino acid conservation, physicochemical variation, residue mobility, and thermodynamic stability) indicates that this missense variant is expected to disrupt ALAS2 protein function with a positive predictive value of 95%. In summary, the available evidence is currently insufficient to determine the role of this variant in disease. Therefore, it has been classified as a Variant of Uncertain Significance.

NM_000032.5(ALAS2):c.1544T>C (p.Leu515Pro)

Gene: ALAS2 (5'-aminolevulinate synthase 2; minus strand). Cytogenetic location: Xp11.21.
Variant type: single nucleotide variant.
Coding change: c.1544T>C on transcript NM_000032.5 (MANE Select); coding-DNA position 1544, T replaced by C.
Protein change: p.Leu515Pro; replaces leucine 515 with proline.
Molecular consequence: missense variant.
Genome position (GRCh38, 1-based): chrX:55,013,542, A>G on the plus strand (T>C on the coding strand, the complement: ALAS2 is on the minus strand). VCF-style: chrX-55013542-A-G. GRCh37 (hg19) VCF-style: chrX-55039975-A-G.
Other names: c.1433T>C, p.Leu478Pro (NM_001037967.4); c.1505T>C, p.Leu502Pro (NM_001037968.4); short protein forms L478P, L502P, L515P.
Identifiers: ClinVar variation 4801052 (VCV004801052.1).